The following is an entry in ClinVar:

ClinVar aggregate classification (germline): Conflicting classifications of pathogenicity. Review status: criteria provided, conflicting classifications (1 of 4 stars). 4 submissions from 4 submitters: Uncertain significance (2); Benign (1); Likely benign (1). Last evaluated 2023-07-01.

Conditions:
Smith-Lemli-Opitz syndrome (SLOS). Also called: LETHAL ACRODYSGENITAL SYNDROME; POLYDACTYLY, SEX REVERSAL, RENAL HYPOPLASIA, AND UNILOBAR LUNG; RSH SYNDROME; RUTLEDGE LETHAL MULTIPLE CONGENITAL ANOMALY SYNDROME; 7-Dehydrocholesterol reductase deficiency. Identifiers: Orphanet 818, MedGen C0175694, MONDO:0010035, OMIM 270400.

Allele frequency attached by ClinVar (database versions not stated): 1000 Genomes Project 0.00439; 1000 Genomes Project 30x 0.00453; TOPMed 0.00937; gnomAD 0.01066 and 0.01111; gnomAD exomes 0.01087.
gnomAD v4.1: 11,811 of 1,085,190 alleles (1.1%); highest among the groups gnomAD compares: Middle Eastern, 1.5%; 114 homozygotes.

Submissions (4):

CeGaT Center for Human Genetics Tuebingen
Classification: Benign. Last evaluated: 2023-07-01. Review status: criteria provided, single submitter. Criteria: CeGaT Center For Human Genetics Tuebingen Variant Classification Criteria Version 2. Collection method: clinical testing. Allele origin: germline. Affected: yes. Observed: 19 variant alleles.
Comment: DHCR7: BS1, BS2

Genome-Nilou Lab
Classification: Uncertain significance for Smith-Lemli-Opitz syndrome. Last evaluated: 2021-05-18. Review status: criteria provided, single submitter. Criteria: ACMG Guidelines, 2015. Collection method: clinical testing. Allele origin: germline. Affected: no.

GeneDx
Classification: Likely benign. Last evaluated: 2018-07-15. Review status: criteria provided, single submitter. Criteria: GeneDx Variant Classification Process June 2021. Collection method: clinical testing. Allele origin: germline. Affected: yes.

Illumina Laboratory Services, Illumina
Classification: Uncertain significance for Smith-Lemli-Opitz syndrome. Last evaluated: 2018-01-13. Review status: criteria provided, single submitter. Criteria: ICSL Variant Classification Criteria 13 December 2019. Collection method: clinical testing. Allele origin: germline.

NM_001360.3(DHCR7):c.*119G>A

Gene: DHCR7 (7-dehydrocholesterol reductase; minus strand). Cytogenetic location: 11q13.4.
Variant type: single nucleotide variant.
Coding change: c.*119G>A on transcript NM_001360.3 (MANE Select); 119 bases downstream of the stop codon, G replaced by A.
Molecular consequence: 3 prime UTR variant.
Genome position (GRCh38, 1-based): chr11:71,435,256, C>T on the plus strand (G>A on the coding strand, the complement: DHCR7 is on the minus strand). VCF-style: chr11-71435256-C-T. GRCh37 (hg19) VCF-style: chr11-71146302-C-T.
Other names: c.*119G>A (NM_001163817.2).
Identifiers: ClinVar variation 305949 (VCV000305949.41), dbSNP rs151230950, ClinGen allele CA10640023.